The following is an entry in ClinVar:

ClinVar aggregate classification (germline): Uncertain significance (1 of 4 stars; one submission).

Submission:

GeneDx
Classification: Uncertain significance. Last evaluated: 2024-05-16. Review status: criteria provided, single submitter. Criteria: GeneDx Variant Classification Process June 2021. Collection method: clinical testing. Allele origin: germline. Affected: yes.
Comment: Not observed at significant frequency in large population cohorts (gnomAD); In silico analysis indicates that this missense variant does not alter protein structure/function; Has not been previously published as pathogenic or benign to our knowledge

NM_020247.5(COQ8A):c.1632G>C (p.Met544Ile)

Gene: COQ8A (coenzyme Q8A; plus strand). Cytogenetic location: 1q42.13.
Variant type: single nucleotide variant.
Coding change: c.1632G>C on transcript NM_020247.5 (MANE Select); coding-DNA position 1632, G replaced by C.
Protein change: p.Met544Ile; replaces methionine 544 with isoleucine.
Molecular consequence: missense variant.
Genome position (GRCh38, 1-based): chr1:226,985,313, G>C. VCF-style: chr1-226985313-G-C. GRCh37 (hg19) VCF-style: chr1-227173014-G-C.
Other names: short protein forms M544I.
Identifiers: ClinVar variation 3377851 (VCV003377851.1).